The following is an entry in ClinVar:

ClinVar aggregate classification (germline): Uncertain significance. Review status: criteria provided, multiple submitters, no conflicts (2 of 4 stars). 2 submissions from 2 submitters: Uncertain significance (2). Last evaluated 2024-03-13.

Conditions:
Amyotrophic lateral sclerosis type 21. Also called: VOCAL CORD AND PHARYNGEAL DYSFUNCTION WITH DISTAL MYOPATHY; MYOPATHY, DISTAL, 2. Identifiers: Orphanet 600, Orphanet 803, MedGen C3807521, MONDO:0011632, OMIM 606070.

Allele frequency attached by ClinVar (database versions not stated): gnomAD exomes below 0.00001; TOPMed 0.00001.
gnomAD v4.1: 1 of 1,614,140 alleles (0.000062%); highest among the groups gnomAD compares: African/African-American, 0.0013%; no homozygotes.

Submissions (2):

Women's Health and Genetics/Laboratory Corporation of America, LabCorp
Classification: Uncertain significance. Last evaluated: 2024-03-13. Review status: criteria provided, single submitter. Criteria: LabCorp Variant Classification Summary - May 2015. Collection method: clinical testing. Allele origin: germline.
Comment: Variant summary: MATR3 c.1924G>A (p.Asp642Asn) results in a conservative amino acid change in the encoded protein sequence. Three of four in-silico tools predict a benign effect of the variant on protein function. The variant was absent in 251306 control chromosomes. The available data on variant occurrences in the general population are insufficient to allow any conclusion about variant significance. To our knowledge, no occurrence of c.1924G>A in individuals affected with Amyotrophic Lateral Sclerosis Type 1 and no experimental evidence demonstrating its impact on protein function have been reported. ClinVar contains an entry for this variant (Variation ID: 2710018). Based on the evidence outlined above, the variant was classified as uncertain significance.

Labcorp Genetics (formerly Invitae), Labcorp
Classification: Uncertain significance for Amyotrophic lateral sclerosis type 21. Last evaluated: 2023-12-25. Review status: criteria provided, single submitter. Criteria: Invitae Variant Classification Sherloc (09022015). Collection method: clinical testing. Allele origin: germline.
Comment: This sequence change replaces aspartic acid, which is acidic and polar, with asparagine, which is neutral and polar, at codon 642 of the MATR3 protein (p.Asp642Asn). This variant is not present in population databases (gnomAD no frequency). This variant has not been reported in the literature in individuals affected with MATR3-related conditions. Advanced modeling of protein sequence and biophysical properties (such as structural, functional, and spatial information, amino acid conservation, physicochemical variation, residue mobility, and thermodynamic stability) performed at Invitae indicates that this missense variant is not expected to disrupt MATR3 protein function with a negative predictive value of 80%. In summary, the available evidence is currently insufficient to determine the role of this variant in disease. Therefore, it has been classified as a Variant of Uncertain Significance.

NM_018834.6(MATR3):c.1924G>A (p.Asp642Asn)

Genes: MATR3 (matrin 3; plus strand), LOC126807526 (CDK7 strongly-dependent group 2 enhancer GRCh37_chr5:138657767-138658966; plus strand). Cytogenetic location: 5q31.2.
Variant type: single nucleotide variant.
Coding change: c.1924G>A on transcript NM_018834.6 (MANE Select); coding-DNA position 1924, G replaced by A.
Protein change: p.Asp642Asn; replaces aspartic acid 642 with asparagine.
Molecular consequence: missense variant.
Genome position (GRCh38, 1-based): chr5:139,322,743, G>A. VCF-style: chr5-139322743-G-A. GRCh37 (hg19) VCF-style: chr5-138658432-G-A.
Other names: c.1063G>A, p.Asp355Asn (NM_001400459.1); c.910G>A, p.Asp304Asn (NM_001400460.1, NM_001400462.1, NM_001400463.1 and 5 more transcripts); c.1024G>A, p.Asp342Asn (NM_001400461.1); c.1924G>A, p.Asp642Asn (NM_199189.3, NM_001194954.2, NM_001194955.2 and 16 more transcripts); c.1060G>A, p.Asp354Asn (NM_001194956.2); short protein forms D304N, D342N, D642N, D354N, D355N.
Identifiers: ClinVar variation 2710018 (VCV002710018.5), dbSNP rs1009623443, ClinGen allele CA128238212.